The following is an entry in ClinVar:

NM_000271.5(NPC1):c.584dup (p.Asn195fs)

Gene: NPC1 (NPC intracellular cholesterol transporter 1; minus strand). Cytogenetic location: 18q11.2.
Variant type: Duplication.
Coding change: c.584dup on transcript NM_000271.5 (MANE Select); coding-DNA position 584, one base duplicated (A; older notation c.584dupA).
Protein change: p.Asn195fs; shifts the reading frame from asparagine 195.
Molecular consequence: frameshift variant.
Genome position (GRCh38, 1-based): chr18:23,561,407, T duplicated on the plus strand (A on the coding strand, the reverse complement: NPC1 is on the minus strand); the first of 2 consecutive T bases (chr18:23,561,407-23,561,408); duplicating either gives the same sequence. VCF-style (leftmost placement, unchanged base first): chr18-23561406-A-AT. GRCh37 (hg19) VCF-style: chr18-21141370-A-AT.
Other names: short protein forms N195fs.
Identifiers: ClinVar variation 5015166 (VCV005015166.1).

ClinVar aggregate classification (germline): Pathogenic (1 of 4 stars; one submission).

Conditions:
Niemann-Pick disease, type C1. Also called: NEUROVISCERAL STORAGE DISEASE WITH VERTICAL SUPRANUCLEAR OPHTHALMOPLEGIA; NIEMANN-PICK DISEASE WITH CHOLESTEROL ESTERIFICATION BLOCK; NIEMANN-PICK DISEASE WITHOUT SPHINGOMYELINASE DEFICIENCY; NIEMANN-PICK DISEASE, CHRONIC NEURONOPATHIC FORM; NIEMANN-PICK DISEASE, VARIANT TYPE C1. Identifiers: Orphanet 646, MedGen C3179455, MONDO:0009757, OMIM 257220.

Submission:

Myriad Genetics, Inc.
Classification: Pathogenic for Niemann-Pick disease, type C1. Last evaluated: 2026-04-29. Review status: criteria provided, single submitter. Criteria: Myriad Autosomal Dominant, Autosomal Recessive and X-Linked Classification Criteria (2023). Collection method: clinical testing. Allele origin: unknown.
Comment: NM_000271.4(NPC1):c.584dupA(N195Kfs*2) is expected to be pathogenic in the context of Niemann-Pick disease type C1. This variant is predicted to lead to an abnormal or absent protein product due to the creation of a premature termination codon in NPC1, a gene where loss-of-function variants are known to be pathogenic. Please note: this variant was assessed in the context of healthy population screening.